The following is an entry in ClinVar:

ClinVar aggregate classification (germline): Uncertain significance (1 of 4 stars; one submission).

Conditions:
Hereditary sensory and autonomic neuropathy type 1 (HSAN1). Also called: HSAN 1; HSN Type I; Hereditary Sensory Neuropathy Type I. Identifiers: Orphanet 36386, MedGen C0020071, MONDO:0018213.

Submission:

Labcorp Genetics (formerly Invitae), Labcorp
Classification: Uncertain significance for Hereditary sensory and autonomic neuropathy type 1. Last evaluated: 2022-10-05. Review status: criteria provided, single submitter. Criteria: Invitae Variant Classification Sherloc (09022015). Collection method: clinical testing. Allele origin: germline.
Comment: In summary, the available evidence is currently insufficient to determine the role of this variant in disease. Therefore, it has been classified as a Variant of Uncertain Significance. This variant has not been reported in the literature in individuals affected with SPTLC1-related conditions. A gross deletion of the genomic region encompassing the full coding sequence of the SPTLC1 gene has been identified. The current clinical and genetic evidence is not sufficient to establish whether loss-of-function variants in SPTLC1 cause disease. The boundaries of this event are unknown as they extend beyond the assayed region for this gene and therefore may encompass additional genes.

NC_000009.11:g.(?_94794747)_(94877652_?)del

Gene: SPTLC1 (serine palmitoyltransferase long chain base subunit 1; minus strand). Cytogenetic location: 9q22.31.
Variant type: Deletion.
Identifiers: ClinVar variation 1450931 (VCV001450931.5).